The following is an entry in ClinVar:

ClinVar aggregate classification (germline): Uncertain significance (1 of 4 stars; one submission).

Conditions:
Long QT syndrome (LQTS). Identifiers: MedGen C0023976, MeSH D008133, MONDO:0002442. Disease mechanism: loss of function. Inheritance: Various modes of inheritance.

Allele frequency attached by ClinVar (database versions not stated): TOPMed below 0.00001; gnomAD 0.00001; gnomAD exomes 0.00001.

Submission:

Labcorp Genetics (formerly Invitae), Labcorp
Classification: Uncertain significance for Long QT syndrome. Last evaluated: 2024-05-21. Review status: criteria provided, single submitter. Criteria: Invitae Variant Classification Sherloc (09022015). Collection method: clinical testing. Allele origin: germline.
Comment: This sequence change replaces serine, which is neutral and polar, with isoleucine, which is neutral and non-polar, at codon 266 of the KCNH2 protein (p.Ser266Ile). The frequency data for this variant in the population databases is considered unreliable, as metrics indicate poor data quality at this position in the gnomAD database. This variant has not been reported in the literature in individuals affected with KCNH2-related conditions. ClinVar contains an entry for this variant (Variation ID: 1060485). An algorithm developed to predict the effect of missense changes on protein structure and function (PolyPhen-2) suggests that this variant is likely to be tolerated. In summary, the available evidence is currently insufficient to determine the role of this variant in disease. Therefore, it has been classified as a Variant of Uncertain Significance.

NM_000238.4(KCNH2):c.797G>T (p.Ser266Ile)

Gene: KCNH2 (potassium voltage-gated channel subfamily H member 2; minus strand). Cytogenetic location: 7q36.1.
Variant type: single nucleotide variant.
Coding change: c.797G>T on transcript NM_000238.4 (MANE Select); coding-DNA position 797, G replaced by T.
Protein change: p.Ser266Ile; replaces serine 266 with isoleucine.
Molecular consequence: missense variant.
Genome position (GRCh38, 1-based): chr7:150,958,178, C>A on the plus strand (G>T on the coding strand, the complement: KCNH2 is on the minus strand). VCF-style: chr7-150958178-C-A. GRCh37 (hg19) VCF-style: chr7-150655266-C-A.
Other names: c.509G>T, p.Ser170Ile (NM_001406753.1, NM_001406756.1); c.620G>T, p.Ser207Ile (NM_001406755.1); c.497G>T, p.Ser166Ile (NM_001406757.1); c.797G>T, p.Ser266Ile (NM_172056.3); short protein forms S266I, S166I, S207I, S170I.
Identifiers: ClinVar variation 1060485 (VCV001060485.8), dbSNP rs1417121762, ClinGen allele CA369862448.
Genomic context (GRCh38, chr7:150,958,178, plus strand): 5'-TCGGCCGACGAGGCGCGGCGCACGCTGGCGCAGCTTTCTCGGGAGCGCGTCCGGGCCAGG[C>A]TGCAGCTGGAGCCCGAGGCGTCGGGGTTGAGGCTGTGCGCCCGGGGCGATGGGAGCTGGC-3'
Protein context (NP_000229.1, residues 256-276): LNPDASGSSC[Ser266Ile]LARTRSRESC